The following is an entry in ClinVar:

NM_006662.3(SRCAP):c.4054C>T (p.Arg1352Trp)

Gene: SRCAP (Snf2 related CREBBP activator protein; plus strand). Cytogenetic location: 16p11.2.
Variant type: single nucleotide variant.
Coding change: c.4054C>T on transcript NM_006662.3 (MANE Select); coding-DNA position 4054, C replaced by T.
Protein change: p.Arg1352Trp; replaces arginine 1352 with tryptophan.
Molecular consequence: missense variant.
Genome position (GRCh38, 1-based): chr16:30,723,124, C>T. VCF-style: chr16-30723124-C-T. GRCh37 (hg19) VCF-style: chr16-30734445-C-T.
Other names: c.4054C>T (NM_006662.2); short protein forms R1352W.
Identifiers: ClinVar variation 1691034 (VCV001691034.3), dbSNP rs773094484, ClinGen allele CA8011653.

ClinVar aggregate classification (germline): Uncertain significance. Review status: criteria provided, multiple submitters, no conflicts (2 of 4 stars). 2 submissions from 2 submitters: Uncertain significance (2). Last evaluated 2025-07-15.

Conditions:
Inborn genetic diseases. Identifiers: MedGen C0950123, MeSH D030342.

Allele frequency attached by ClinVar (database versions not stated): gnomAD 0.00001; TOPMed 0.00001; ExAC 0.00002; gnomAD exomes 0.00002.
gnomAD v4.1: 16 of 1,613,958 alleles (0.00099%); highest among the groups gnomAD compares: South Asian, 0.0055%; no homozygotes.

Submissions (2):

Ambry Genetics
Classification: Uncertain significance for Inborn genetic diseases. Last evaluated: 2025-07-15. Review status: criteria provided, single submitter. Criteria: Ambry Variant Classification Scheme 2023. Collection method: clinical testing. Allele origin: germline.

Laboratorio de Genetica e Diagnostico Molecular, Hospital Israelita Albert Einstein
Classification: Uncertain significance. Last evaluated: 2021-07-08. Review status: criteria provided, single submitter. Criteria: ACMG Guidelines, 2015. Collection method: clinical testing. Allele origin: germline. Affected: yes.
Comment: ACMG classification criteria: PM2